The following is an entry in ClinVar:

NM_001042545.2(LTBP4):c.2094C>T (p.Tyr698=)

Gene: LTBP4 (latent transforming growth factor beta binding protein 4; plus strand). Cytogenetic location: 19q13.2.
Variant type: single nucleotide variant.
Coding change: c.2094C>T on transcript NM_001042545.2 (MANE Select); coding-DNA position 2094, C replaced by T.
Protein change: p.Tyr698=; no amino-acid change (tyrosine 698 retained).
Molecular consequence: synonymous variant.
Genome position (GRCh38, 1-based): chr19:40,611,899, C>T. VCF-style: chr19-40611899-C-T. GRCh37 (hg19) VCF-style: chr19-41117805-C-T.
Other names: c.2295C>T, p.Tyr765= (NM_001042544.1); c.2184C>T, p.Tyr728= (NM_003573.2).
Identifiers: ClinVar variation 1253983 (VCV001253983.7), dbSNP rs756890972, ClinGen allele CA9448529.

ClinVar aggregate classification (germline): Likely benign. Review status: criteria provided, multiple submitters, no conflicts (2 of 4 stars). 3 submissions from 3 submitters: Likely benign (2). 1 of the submissions does not count toward it. Last evaluated 2025-06-15.

Conditions:
LTBP4-related disorder. Also called: LTBP4-related condition.

Allele frequency attached by ClinVar (database versions not stated): gnomAD exomes 0.00001; gnomAD 0.00001 and 0.00002; TOPMed 0.00004; ExAC 0.00002.
gnomAD v4.1: 20 of 1,608,956 alleles (0.0012%); highest among the groups gnomAD compares: African/African-American, 0.004%; no homozygotes.

Submissions (3):

Labcorp Genetics (formerly Invitae), Labcorp
Classification: Likely benign. Last evaluated: 2025-06-15. Review status: criteria provided, single submitter. Criteria: Invitae Variant Classification Sherloc (09022015). Collection method: clinical testing. Allele origin: germline.

GeneDx
Classification: Likely benign. Last evaluated: 2020-10-29. Review status: criteria provided, single submitter. Criteria: GeneDx Variant Classification Process June 2021. Collection method: clinical testing. Allele origin: germline. Affected: yes.

PreventionGenetics, part of Exact Sciences
Classification: Likely benign for LTBP4-related condition. Last evaluated: 2023-12-24. Review status: no assertion criteria provided. Collection method: clinical testing. Allele origin: germline. Not counted in ClinVar's aggregate classification.
Comment: This variant is classified as likely benign based on ACMG/AMP sequence variant interpretation guidelines (Richards et al. 2015 PMID: 25741868, with internal and published modifications).